The following is an entry in ClinVar:

ClinVar aggregate classification (germline): Uncertain significance (1 of 4 stars; one submission).

Allele frequency attached by ClinVar (database versions not stated): gnomAD 0.00001; gnomAD exomes 0.00001; TOPMed 0.00002; ExAC 0.00003.
gnomAD v4.1: 7 of 1,582,778 alleles (0.00044%); highest among the groups gnomAD compares: Non-Finnish European, 0.0006%; no homozygotes.

Submission:

Labcorp Genetics (formerly Invitae), Labcorp
Classification: Uncertain significance. Last evaluated: 2021-12-17. Review status: criteria provided, single submitter. Criteria: Invitae Variant Classification Sherloc (09022015). Collection method: clinical testing. Allele origin: germline.
Comment: This sequence change replaces proline, which is neutral and non-polar, with leucine, which is neutral and non-polar, at codon 94 of the DLL3 protein (p.Pro94Leu). This variant is present in population databases (rs752316852, gnomAD 0.002%). This variant has not been reported in the literature in individuals affected with DLL3-related conditions. Algorithms developed to predict the effect of missense changes on protein structure and function are either unavailable or do not agree on the potential impact of this missense change (SIFT: "Deleterious"; PolyPhen-2: "Possibly Damaging"; Align-GVGD: "Class C0"). In summary, the available evidence is currently insufficient to determine the role of this variant in disease. Therefore, it has been classified as a Variant of Uncertain Significance.

NM_203486.3(DLL3):c.281C>T (p.Pro94Leu)

Gene: DLL3 (delta like canonical Notch ligand 3; plus strand). Cytogenetic location: 19q13.2.
Variant type: single nucleotide variant.
Coding change: c.281C>T on transcript NM_203486.3 (MANE Select); coding-DNA position 281, C replaced by T.
Protein change: p.Pro94Leu; replaces proline 94 with leucine.
Molecular consequence: missense variant.
Genome position (GRCh38, 1-based): chr19:39,499,403, C>T. VCF-style: chr19-39499403-C-T. GRCh37 (hg19) VCF-style: chr19-39990043-C-T.
Other names: c.281C>T, p.Pro94Leu (NM_016941.4); short protein forms P94L.
Identifiers: ClinVar variation 1903708 (VCV001903708.2), dbSNP rs752316852, ClinGen allele CA9432145.